The following is an entry in ClinVar:

ClinVar aggregate classification (germline): Conflicting classifications of pathogenicity. Review status: criteria provided, conflicting classifications (1 of 4 stars). 5 submissions from 5 submitters: Uncertain significance (2); Likely benign (1). 2 of the submissions do not count toward it. Last evaluated 2024-12-24.

Conditions:
Encephalopathy, acute, infection-induced (herpes-specific), susceptibility to, 6. Also called: Herpes simplex encephalitis, susceptibility to, 4. Identifiers: Orphanet 1930, MedGen C3553869, MONDO:0013921, OMIM 614850.

Allele frequency attached by ClinVar (database versions not stated): ESP Exome Variant Server 0.00039; TOPMed 0.00067; gnomAD 0.00068 and 0.00063; ExAC 0.00071; 1000 Genomes Project 30x 0.00109; 1000 Genomes Project 0.00060; gnomAD exomes 0.00066 and 0.00070.

Submissions (5):

Labcorp Genetics (formerly Invitae), Labcorp
Classification: Uncertain significance for Encephalopathy, acute, infection-induced (herpes-specific), susceptibility to, 6. Last evaluated: 2024-12-24. Review status: criteria provided, single submitter. Criteria: Invitae Variant Classification Sherloc (09022015). Collection method: clinical testing. Allele origin: germline.
Comment: This sequence change replaces valine, which is neutral and non-polar, with methionine, which is neutral and non-polar, at codon 80 of the TICAM1 protein (p.Val80Met). This variant is present in population databases (rs199816697, gnomAD 0.1%), and has an allele count higher than expected for a pathogenic variant. This variant has not been reported in the literature in individuals affected with TICAM1-related conditions. ClinVar contains an entry for this variant (Variation ID: 540506). An algorithm developed to predict the effect of missense changes on protein structure and function outputs the following: PolyPhen-2: "Benign". The methionine amino acid residue is found in multiple mammalian species, which suggests that this missense change does not adversely affect protein function. In summary, the available evidence is currently insufficient to determine the role of this variant in disease. Therefore, it has been classified as a Variant of Uncertain Significance.

Blueprint Genetics
Classification: Likely benign. Last evaluated: 2024-11-27. Review status: criteria provided, single submitter. Criteria: ACMG Guidelines, 2015. Collection method: clinical testing. Allele origin: germline.

Breakthrough Genomics
Classification: Uncertain significance. Review status: criteria provided, single submitter. Criteria: ACMG Guidelines, 2015. Collection method: not provided. Allele origin: germline. Inheritance: Autosomal recessive inheritance. Affected: yes.

Clinical Genetics DNA and cytogenetics Diagnostics Lab, Erasmus MC, Erasmus Medical Center
Classification: Likely benign. Review status: no assertion criteria provided. Collection method: clinical testing. Allele origin: germline. Affected: yes. Study: VKGL Data-share Consensus. Not counted in ClinVar's aggregate classification.

Genome Diagnostics Laboratory, University Medical Center Utrecht
Classification: Likely benign. Review status: no assertion criteria provided. Collection method: clinical testing. Allele origin: germline. Affected: yes. Study: VKGL Data-share Consensus. Not counted in ClinVar's aggregate classification.

NM_182919.4(TICAM1):c.238G>A (p.Val80Met)

Gene: TICAM1 (TIR domain containing adaptor molecule 1; minus strand). Cytogenetic location: 19p13.3.
Variant type: single nucleotide variant.
Coding change: c.238G>A on transcript NM_182919.4 (MANE Select); coding-DNA position 238, G replaced by A.
Protein change: p.Val80Met; replaces valine 80 with methionine.
Molecular consequence: missense variant. On other transcripts: intron variant (1).
Genome position (GRCh38, 1-based): chr19:4,818,140, C>T on the plus strand (G>A on the coding strand, the complement: TICAM1 is on the minus strand). VCF-style: chr19-4818140-C-T. GRCh37 (hg19) VCF-style: chr19-4818152-C-T.
Other names: c.196G>A, p.Val66Met (NM_001385678.1); c.103G>A, p.Val35Met (NM_001385679.1); c.-72+244G>A (NM_001385680.1); short protein forms V80M, V35M, V66M.
Identifiers: ClinVar variation 540506 (VCV000540506.12), dbSNP rs199816697, ClinGen allele CA9105395.